The following is an entry in ClinVar:

NM_001242896.3(DEPDC5):c.3005C>A (p.Ser1002Ter)

Gene: DEPDC5 (DEP domain containing 5, GATOR1 subcomplex subunit; plus strand). Cytogenetic location: 22q12.3.
Variant type: single nucleotide variant.
Coding change: c.3005C>A on transcript NM_001242896.3 (MANE Select); coding-DNA position 3005, C replaced by A.
Protein change: p.Ser1002Ter; replaces serine 1002 with a stop codon.
Molecular consequence: nonsense. On other transcripts: non-coding transcript variant (5).
Genome position (GRCh38, 1-based): chr22:31,845,221, C>A. VCF-style: chr22-31845221-C-A. GRCh37 (hg19) VCF-style: chr22-32241207-C-A.
Other names: c.2978C>A, p.Ser993Ter (NM_001136029.4, NM_001369903.1, NM_014662.6); c.2771C>A, p.Ser924Ter (NM_001242897.2, NM_001363854.2, NM_001364319.2); c.3005C>A, p.Ser1002Ter (NM_001363852.2, NM_001364318.2, NM_001364320.2); c.2921C>A, p.Ser974Ter (NM_001369901.1, NM_001369902.1); short protein forms S924*, S1002*, S974*, S993*.
Identifiers: ClinVar variation 1392136 (VCV001392136.6), dbSNP rs2149025148, ClinGen allele CA411291470.

ClinVar aggregate classification (germline): Pathogenic (1 of 4 stars; one submission).

Conditions:
Familial focal epilepsy with variable foci (FPEVF). Identifiers: Orphanet 98820, MedGen C1858477, MONDO:0020310.

Submission:

Labcorp Genetics (formerly Invitae), Labcorp
Classification: Pathogenic for Familial focal epilepsy with variable foci. Last evaluated: 2022-08-09. Review status: criteria provided, single submitter. Criteria: Invitae Variant Classification Sherloc (09022015). Collection method: clinical testing. Allele origin: germline.
Comment: This variant has not been reported in the literature in individuals affected with DEPDC5-related conditions. For these reasons, this variant has been classified as Pathogenic. ClinVar contains an entry for this variant (Variation ID: 1392136). This variant is not present in population databases (gnomAD no frequency). This sequence change creates a premature translational stop signal (p.Ser1002*) in the DEPDC5 gene. It is expected to result in an absent or disrupted protein product. Loss-of-function variants in DEPDC5 are known to be pathogenic (PMID: 23542697, 23542701).

Literature cited by the submitters: PubMed 23542697; PubMed 23542701.